The following is an entry in ClinVar:

NM_001375883.1(GPR161):c.152C>A (p.Thr51Asn)

Gene: GPR161 (G protein-coupled receptor 161; minus strand). Cytogenetic location: 1q24.2.
Variant type: single nucleotide variant.
Coding change: c.152C>A on transcript NM_001375883.1 (MANE Select); coding-DNA position 152, C replaced by A.
Protein change: p.Thr51Asn; replaces threonine 51 with asparagine.
Molecular consequence: missense variant. On other transcripts: intron variant (4).
Genome position (GRCh38, 1-based): chr1:168,104,699, G>T on the plus strand (C>A on the coding strand, the complement: GPR161 is on the minus strand). VCF-style: chr1-168104699-G-T. GRCh37 (hg19) VCF-style: chr1-168073937-G-T.
Other names: c.152C>A (NM_153832.1); c.212C>A, p.Thr71Asn (NM_001267609.1); c.152C>A, p.Thr51Asn (NM_001267610.2, NM_001349632.1, NM_001349633.1 and 5 more transcripts); c.203C>A, p.Thr68Asn (NM_001267611.1); c.-22-7467C>A (NM_001349635.1, NM_001267612.2); c.33-7467C>A (NM_001267614.1); c.141-7467C>A (NM_001267613.1); short protein forms T51N, T68N, T71N.
Identifiers: ClinVar variation 3377773 (VCV003377773.4).

ClinVar aggregate classification (germline): Uncertain significance. Review status: criteria provided, multiple submitters, no conflicts (2 of 4 stars). 3 submissions from 3 submitters: Uncertain significance (3). Last evaluated 2025-10-01.

Conditions:
Medulloblastoma (MDB). Also called: Medulloblastoma, somatic; MEDULLOBLASTOMA PREDISPOSITION SYNDROME. Identifiers: Orphanet 616, MedGen C0025149, MeSH D008527, MONDO:0007959, OMIM 155255, HP:0002885.

Submissions (3):

Labcorp Genetics (formerly Invitae), Labcorp
Classification: Uncertain significance. Last evaluated: 2025-10-01. Review status: criteria provided, single submitter. Criteria: Invitae Variant Classification Sherloc (09022015). Collection method: clinical testing. Allele origin: germline.
Comment: This sequence change replaces threonine, which is neutral and polar, with asparagine, which is neutral and polar, at codon 71 of the GPR161 protein (p.Thr71Asn). This variant is present in population databases (rs201148299, gnomAD 0.006%). This variant has not been reported in the literature in individuals affected with GPR161-related conditions. ClinVar contains an entry for this variant (Variation ID: 3377773). An algorithm developed to predict the effect of missense changes on protein structure and function (PolyPhen-2) suggests that this variant is likely to be disruptive. In summary, the available evidence is currently insufficient to determine the role of this variant in disease. Therefore, it has been classified as a Variant of Uncertain Significance.

Ambry Genetics
Classification: Uncertain significance. Last evaluated: 2025-01-17. Review status: criteria provided, single submitter. Criteria: Ambry Variant Classification Scheme 2023. Collection method: clinical testing. Allele origin: germline.

St. Jude Molecular Pathology, St. Jude Children's Research Hospital
Classification: Uncertain significance for Medulloblastoma. Last evaluated: 2024-06-27. Review status: criteria provided, single submitter. Criteria: St. Jude Assertion Criteria 2020. Collection method: clinical testing. Allele origin: germline.
Comment: The GPR161 c.152C>A (p.Thr51Asn) missense change has a maximum subpopulation frequency of 0.006% in gnomAD v2.1.1. The in silico tool REVEL is inconclusive about a pathogenic or benign effect of this variant on protein function, and to our knowledge functional studies have not been performed. To our knowledge, this variant has not been reported in individuals with medulloblastoma. In summary, the evidence currently available is insufficient to determine the clinical significance of this variant. It has therefore been classified as of uncertain significance.